The following is an entry in ClinVar:

ClinVar aggregate classification (germline): Uncertain significance. Review status: criteria provided, multiple submitters, no conflicts (2 of 4 stars). 2 submissions from 2 submitters: Uncertain significance (2). Last evaluated 2024-09-17.

Conditions:
Epidermolysis bullosa simplex 5B, with muscular dystrophy (EBS5B). Also called: EPIDERMOLYSIS BULLOSA SIMPLEX AND LIMB-GIRDLE MUSCULAR DYSTROPHY; Epidermolysis bullosa simplex with muscular dystrophy. Identifiers: Orphanet 257, MedGen C2931072, MONDO:0009181, OMIM 226670.
Epidermolysis bullosa simplex, Ogna type (EBS5A). Also called: EPIDERMOLYSIS BULLOSA SIMPLEX 5A, OGNA TYPE; Pidermolysis bullosa simplex 5A, Ogna type. Identifiers: Orphanet 79401, MedGen C0432317, MONDO:0007555, OMIM 131950.
Epidermolysis bullosa simplex with nail dystrophy (EBS5D). Identifiers: MedGen C4225309, MONDO:0014661, OMIM 616487.
Autosomal recessive limb-girdle muscular dystrophy type 2Q (LGMDR17). Also called: MUSCULAR DYSTROPHY, LIMB-GIRDLE, AUTOSOMAL RECESSIVE 17. Identifiers: Orphanet 254361, MedGen C3150989, MONDO:0013390, OMIM 613723.
Epidermolysis bullosa simplex 5C, with pyloric atresia (EBS5C). Also called: Epidermolysis bullosa simplex with pyloric atresia; PLEC-Related Epidermolysis Bullosa with Pyloric Atresia; PLEC1-Related Epidermolysis Bullosa with Pyloric Atresia. Identifiers: Orphanet 158684, MedGen C2677349, MONDO:0012807, OMIM 612138.

Allele frequency attached by ClinVar (database versions not stated): TOPMed 0.00001; gnomAD 0.00002; gnomAD exomes 0.00002; ExAC 0.00003.
gnomAD v4.1: 28 of 1,584,890 alleles (0.0018%); highest among the groups gnomAD compares: East Asian, 0.011%; no homozygotes.

Submissions (2):

Labcorp Genetics (formerly Invitae), Labcorp
Classification: Uncertain significance for Autosomal recessive limb-girdle muscular dystrophy type 2Q; Epidermolysis bullosa simplex, Ogna type; Epidermolysis bullosa simplex with nail dystrophy; Epidermolysis bullosa simplex 5C, with pyloric atresia; Epidermolysis bullosa simplex 5B, with muscular dystrophy. Last evaluated: 2024-09-17. Review status: criteria provided, single submitter. Criteria: Invitae Variant Classification Sherloc (09022015). Collection method: clinical testing. Allele origin: germline.
Comment: This sequence change replaces arginine, which is basic and polar, with tryptophan, which is neutral and slightly polar, at codon 1044 of the PLEC protein (p.Arg1044Trp). The frequency data for this variant in the population databases is considered unreliable, as metrics indicate poor data quality at this position in the gnomAD database. This variant has not been reported in the literature in individuals affected with PLEC-related conditions. ClinVar contains an entry for this variant (Variation ID: 1419048). Invitae Evidence Modeling of protein sequence and biophysical properties (such as structural, functional, and spatial information, amino acid conservation, physicochemical variation, residue mobility, and thermodynamic stability) indicates that this missense variant is not expected to disrupt PLEC protein function with a negative predictive value of 80%. In summary, the available evidence is currently insufficient to determine the role of this variant in disease. Therefore, it has been classified as a Variant of Uncertain Significance.

Revvity Omics, Revvity
Classification: Uncertain significance. Last evaluated: 2024-03-28. Review status: criteria provided, single submitter. Criteria: ACMG Guidelines, 2015. Collection method: clinical testing. Allele origin: germline.

NM_201384.3(PLEC):c.3049C>T (p.Arg1017Trp)

Gene: PLEC (plectin; minus strand). Cytogenetic location: 8q24.3.
Variant type: single nucleotide variant.
Coding change: c.3049C>T on transcript NM_201384.3 (MANE Select); coding-DNA position 3049, C replaced by T.
Protein change: p.Arg1017Trp; replaces arginine 1017 with tryptophan.
Molecular consequence: missense variant.
Genome position (GRCh38, 1-based): chr8:143,929,446, G>A on the plus strand (C>T on the coding strand, the complement: PLEC is on the minus strand). VCF-style: chr8-143929446-G-A. GRCh37 (hg19) VCF-style: chr8-145003614-G-A.
Other names: c.3049C>T, p.Arg1017Trp (NM_201382.4); c.3061C>T, p.Arg1021Trp (NM_201383.3); c.3130C>T, p.Arg1044Trp (NM_000445.5); c.3007C>T, p.Arg1003Trp (NM_201378.4); c.2983C>T, p.Arg995Trp (NM_201379.3); c.3460C>T, p.Arg1154Trp (NM_201380.4); c.2953C>T, p.Arg985Trp (NM_201381.3); short protein forms R1154W, R995W, R1021W, R985W, R1003W, R1017W, R1044W.
Identifiers: ClinVar variation 1419048 (VCV001419048.7), dbSNP rs781995072, ClinGen allele CA4927248.